The following is an entry in ClinVar:

NM_001164665.2(KIAA1549):c.619G>C (p.Glu207Gln)

Gene: KIAA1549 (KIAA1549; minus strand). Cytogenetic location: 7q34.
Variant type: single nucleotide variant.
Coding change: c.619G>C on transcript NM_001164665.2 (MANE Select); coding-DNA position 619, G replaced by C.
Protein change: p.Glu207Gln; replaces glutamic acid 207 with glutamine.
Molecular consequence: missense variant.
Genome position (GRCh38, 1-based): chr7:138,919,007, C>G on the plus strand (G>C on the coding strand, the complement: KIAA1549 is on the minus strand). VCF-style: chr7-138919007-C-G. GRCh37 (hg19) VCF-style: chr7-138603753-C-G.
Other names: c.619G>C, p.Glu207Gln (NM_020910.3); c.619G>C (NM_001164665.1); short protein forms E207Q.
Identifiers: ClinVar variation 1418090 (VCV001418090.4), dbSNP rs747558389, ClinGen allele CA4506911.

ClinVar aggregate classification (germline): Uncertain significance. Review status: criteria provided, multiple submitters, no conflicts (2 of 4 stars). 2 submissions from 2 submitters: Uncertain significance (2). Last evaluated 2024-11-13.

Conditions:
Inborn genetic diseases. Identifiers: MedGen C0950123, MeSH D030342.

Allele frequency attached by ClinVar (database versions not stated): ExAC 0.00002; gnomAD 0.00002 and 0.00003; gnomAD exomes 0.00002 and 0.00006; TOPMed 0.00002.
gnomAD v4.1: 94 of 1,613,926 alleles (0.0058%); highest among the groups gnomAD compares: Non-Finnish European, 0.0078%; no homozygotes.

Submissions (2):

Ambry Genetics
Classification: Uncertain significance for Inborn genetic diseases. Last evaluated: 2024-11-13. Review status: criteria provided, single submitter. Criteria: Ambry Variant Classification Scheme 2023. Collection method: clinical testing. Allele origin: germline.

Labcorp Genetics (formerly Invitae), Labcorp
Classification: Uncertain significance. Last evaluated: 2022-08-16. Review status: criteria provided, single submitter. Criteria: Invitae Variant Classification Sherloc (09022015). Collection method: clinical testing. Allele origin: germline.
Comment: This sequence change replaces glutamic acid, which is acidic and polar, with glutamine, which is neutral and polar, at codon 207 of the KIAA1549 protein (p.Glu207Gln). This variant is present in population databases (rs747558389, gnomAD 0.004%). This variant has not been reported in the literature in individuals affected with KIAA1549-related conditions. ClinVar contains an entry for this variant (Variation ID: 1418090). Algorithms developed to predict the effect of missense changes on protein structure and function output the following: SIFT: "Tolerated"; PolyPhen-2: "Benign"; Align-GVGD: "Class C0". The glutamine amino acid residue is found in multiple mammalian species, which suggests that this missense change does not adversely affect protein function. In summary, the available evidence is currently insufficient to determine the role of this variant in disease. Therefore, it has been classified as a Variant of Uncertain Significance.